The following is an entry in ClinVar:

NM_014112.5(TRPS1):c.2820C>G (p.His940Gln)

Gene: TRPS1 (transcriptional repressor GATA binding 1; minus strand). Cytogenetic location: 8q23.3.
Variant type: single nucleotide variant.
Coding change: c.2820C>G on transcript NM_014112.5 (MANE Select); coding-DNA position 2820, C replaced by G.
Protein change: p.His940Gln; replaces histidine 940 with glutamine.
Molecular consequence: missense variant.
Genome position (GRCh38, 1-based): chr8:115,418,333, G>C on the plus strand (C>G on the coding strand, the complement: TRPS1 is on the minus strand). VCF-style: chr8-115418333-G-C. GRCh37 (hg19) VCF-style: chr8-116430561-G-C.
Other names: c.2793C>G, p.His931Gln (NM_001282902.3); c.2799C>G, p.His933Gln (NM_001282903.3); c.2781C>G, p.His927Gln (NM_001330599.2); short protein forms H933Q, H940Q, H927Q, H931Q.
Identifiers: ClinVar variation 4783146 (VCV004783146.1).

ClinVar aggregate classification (germline): Uncertain significance (1 of 4 stars; one submission).

Conditions:
Trichorhinophalangeal syndrome, type III (TRPS3). Also called: SUGIO-KAJII SYNDROME. Identifiers: Orphanet 77258, MedGen C1860823, OMIM 190351, MONDO:0008597.
Trichorhinophalangeal dysplasia type I (TRPS1). Also called: TRICHORHINOPHALANGEAL SYNDROME, TYPE I; TRPS I. Identifiers: Orphanet 77258, MedGen C0432233, MONDO:0008596, OMIM 190350.

Submission:

Labcorp Genetics (formerly Invitae), Labcorp
Classification: Uncertain significance for Trichorhinophalangeal syndrome, type III; Trichorhinophalangeal dysplasia type I. Last evaluated: 2025-12-11. Review status: criteria provided, single submitter. Criteria: Invitae Variant Classification Sherloc (09022015). Collection method: clinical testing. Allele origin: germline.
Comment: This sequence change replaces histidine, which is basic and polar, with glutamine, which is neutral and polar, at codon 940 of the TRPS1 protein (p.His940Gln). This variant is not present in population databases (gnomAD no frequency). This variant has not been reported in the literature in individuals affected with TRPS1-related conditions. Invitae Evidence Modeling of protein sequence and biophysical properties (such as structural, functional, and spatial information, amino acid conservation, physicochemical variation, residue mobility, and thermodynamic stability) indicates that this missense variant is expected to disrupt TRPS1 protein function with a positive predictive value of 80%. In summary, the available evidence is currently insufficient to determine the role of this variant in disease. Therefore, it has been classified as a Variant of Uncertain Significance.